The following is an entry in ClinVar:

ClinVar aggregate classification (germline): Conflicting classifications of pathogenicity. Review status: criteria provided, conflicting classifications (1 of 4 stars). 5 submissions from 5 submitters: Uncertain significance (3); Likely benign (1). 1 of the submissions does not count toward it. Last evaluated 2025-12-28.

Conditions:
PKD2-related disorder. Also called: PKD2-related condition.
Autosomal dominant polycystic kidney disease. Identifiers: Orphanet 730, MedGen C0085413, MONDO:0004691.
Polycystic kidney disease 2 (PKD2). Also called: POLYCYSTIC KIDNEY DISEASE, ADULT, TYPE II; Polycystic Kidney Disease 2, Autosomal Dominant; POLYCYSTIC KIDNEY DISEASE 2 WITH OR WITHOUT POLYCYSTIC LIVER DISEASE. Identifiers: MedGen C2751306, MONDO:0013131, OMIM 613095.

Allele frequency attached by ClinVar (database versions not stated): ExAC 0.00005; gnomAD exomes 0.00006 and 0.00012; gnomAD 0.00013 and 0.00014; TOPMed 0.00015.
gnomAD v4.1: 189 of 1,610,054 alleles (0.012%); highest among the groups gnomAD compares: Non-Finnish European, 0.016%; no homozygotes.

Submissions (5):

Labcorp Genetics (formerly Invitae), Labcorp
Classification: Uncertain significance for Autosomal dominant polycystic kidney disease. Last evaluated: 2025-12-28. Review status: criteria provided, single submitter. Criteria: Invitae Variant Classification Sherloc (09022015). Collection method: clinical testing. Allele origin: germline.
Comment: This sequence change replaces tyrosine, which is neutral and polar, with histidine, which is basic and polar, at codon 487 of the PKD2 protein (p.Tyr487His). This variant is present in population databases (rs201328200, gnomAD 0.01%). This missense change has been observed in individual(s) with polycystic kidney disease (PMID: 23300259, 24658975). ClinVar contains an entry for this variant (Variation ID: 1391484). Invitae Evidence Modeling of protein sequence and biophysical properties (such as structural, functional, and spatial information, amino acid conservation, physicochemical variation, residue mobility, and thermodynamic stability) indicates that this missense variant is expected to disrupt PKD2 protein function with a positive predictive value of 80%. In summary, the available evidence is currently insufficient to determine the role of this variant in disease. Therefore, it has been classified as a Variant of Uncertain Significance.

Blueprint Genetics
Classification: Likely benign. Last evaluated: 2024-08-29. Review status: criteria provided, single submitter. Criteria: ACMG Guidelines, 2015. Collection method: clinical testing. Allele origin: germline.

GeneDx
Classification: Uncertain significance. Last evaluated: 2023-07-27. Review status: criteria provided, single submitter. Criteria: GeneDx Variant Classification Process June 2021. Collection method: clinical testing. Allele origin: germline. Affected: yes.
Comment: In silico analysis supports that this missense variant has a deleterious effect on protein structure/function; This variant is associated with the following publications: (PMID: 24658975, 23300259, 34426522)

Department of Pathology and Laboratory Medicine, Sinai Health System
Classification: Uncertain significance for Polycystic kidney disease 2. Last evaluated: 2020-04-09. Review status: criteria provided, single submitter. Criteria: ACMG Guidelines, 2015. Collection method: clinical testing. Allele origin: germline. Affected: yes.

PreventionGenetics, part of Exact Sciences
Classification: Uncertain significance for PKD2-related condition. Last evaluated: 2024-06-25. Review status: no assertion criteria provided. Collection method: clinical testing. Allele origin: germline. Not counted in ClinVar's aggregate classification.
Comment: The PKD2 c.1459T>C variant is predicted to result in the amino acid substitution p.Tyr487His. This variant was reported in individuals with autosomal dominant polycystic kidney disease (ADPKD) (Neumann et al. 2013. PubMed ID: 23300259; Virzì et al. 2014. PubMed ID: 24658975). This variant is reported in 0.012% of alleles in individuals of European (Non-Finnish) descent in gnomAD. At this time, the clinical significance of this variant is uncertain due to the absence of conclusive functional and genetic evidence.

Literature cited by the submitters: PubMed 23300259 (cited by Labcorp Genetics (formerly Invitae), Labcorp); PubMed 24658975 (cited by Labcorp Genetics (formerly Invitae), Labcorp).

NM_000297.4(PKD2):c.1459T>C (p.Tyr487His)

Gene: PKD2 (polycystin 2, transient receptor potential cation channel; plus strand). Cytogenetic location: 4q22.1.
Variant type: single nucleotide variant.
Coding change: c.1459T>C on transcript NM_000297.4 (MANE Select); coding-DNA position 1459, T replaced by C.
Protein change: p.Tyr487His; replaces tyrosine 487 with histidine.
Molecular consequence: missense variant. On other transcripts: non-coding transcript variant (1).
Genome position (GRCh38, 1-based): chr4:88,046,781, T>C. VCF-style: chr4-88046781-T-C. GRCh37 (hg19) VCF-style: chr4-88967933-T-C.
Other names: c.1459T>C (NM_000297.3); short protein forms Y487H.
Identifiers: ClinVar variation 1391484 (VCV001391484.10), dbSNP rs201328200, ClinGen allele CA3003948.